The following is an entry in ClinVar:

NM_014874.4(MFN2):c.1535A>G (p.Gln512Arg)

Gene: MFN2 (mitofusin 2; plus strand). Cytogenetic location: 1p36.22.
Variant type: single nucleotide variant.
Coding change: c.1535A>G on transcript NM_014874.4 (MANE Select); coding-DNA position 1535, A replaced by G.
Protein change: p.Gln512Arg; replaces glutamine 512 with arginine.
Molecular consequence: missense variant.
Genome position (GRCh38, 1-based): chr1:12,005,750, A>G. VCF-style: chr1-12005750-A-G. GRCh37 (hg19) VCF-style: chr1-12065807-A-G.
Other names: c.1535A>G, p.Gln512Arg (NM_001127660.2); short protein forms Q512R.
Identifiers: ClinVar variation 1306469 (VCV001306469.7), dbSNP rs2100852773, ClinGen allele CA338447896.

ClinVar aggregate classification (germline): Uncertain significance. Review status: criteria provided, multiple submitters, no conflicts (2 of 4 stars). 3 submissions from 3 submitters: Uncertain significance (3). Last evaluated 2026-06-10.

Conditions:
Inborn genetic diseases. Identifiers: MedGen C0950123, MeSH D030342.
Charcot-Marie-Tooth disease type 2. Also called: Charcot-Marie-Tooth type 2. Identifiers: Orphanet 64746, MedGen C0270914, MONDO:0018993.

Submissions (3):

Ambry Genetics
Classification: Uncertain significance for Inborn genetic diseases. Last evaluated: 2026-06-10. Review status: criteria provided, single submitter. Criteria: Ambry Variant Classification Scheme 2023. Collection method: clinical testing. Allele origin: germline.

Labcorp Genetics (formerly Invitae), Labcorp
Classification: Uncertain significance for Charcot-Marie-Tooth disease type 2. Last evaluated: 2022-02-22. Review status: criteria provided, single submitter. Criteria: Invitae Variant Classification Sherloc (09022015). Collection method: clinical testing. Allele origin: germline.
Comment: In summary, the available evidence is currently insufficient to determine the role of this variant in disease. Therefore, it has been classified as a Variant of Uncertain Significance. Algorithms developed to predict the effect of missense changes on protein structure and function are either unavailable or do not agree on the potential impact of this missense change (SIFT: "Tolerated"; PolyPhen-2: "Possibly Damaging"; Align-GVGD: "Class C0"). ClinVar contains an entry for this variant (Variation ID: 1306469). This variant has not been reported in the literature in individuals affected with MFN2-related conditions. This variant is not present in population databases (gnomAD no frequency). This sequence change replaces glutamine, which is neutral and polar, with arginine, which is basic and polar, at codon 512 of the MFN2 protein (p.Gln512Arg).

GeneDx
Classification: Uncertain significance. Last evaluated: 2019-07-02. Review status: criteria provided, single submitter. Criteria: GeneDx Variant Classification Process June 2021. Collection method: clinical testing. Allele origin: germline. Affected: yes.
Comment: Not observed in large population cohorts (Lek et al., 2016); In silico analysis, which includes protein predictors and evolutionary conservation, supports that this variant does not alter protein structure/function; Has not been previously published as pathogenic or benign to our knowledge